The following is an entry in ClinVar:

ClinVar aggregate classification (germline): Uncertain significance (1 of 4 stars; one submission).

Conditions:
Dyskeratosis congenita. Identifiers: Orphanet 1775, MedGen C0265965, MONDO:0015780.

Submission:

Ambry Genetics
Classification: Uncertain significance for Dyskeratosis congenita. Last evaluated: 2026-01-04. Review status: criteria provided, single submitter. Criteria: Ambry Variant Classification Scheme 2023. Collection method: clinical testing. Allele origin: germline.
Comment: The p.T564R variant (also known as c.1691C>G), located in coding exon 3 of the TERT gene, results from a C to G substitution at nucleotide position 1691. The threonine at codon 564 is replaced by arginine, an amino acid with similar properties. This amino acid position is conserved. In addition, this alteration is predicted to be deleterious by in silico analysis. Based on the available evidence, the clinical significance of this variant remains unclear.

NM_198253.3(TERT):c.1691C>G (p.Thr564Arg)

Gene: TERT (telomerase reverse transcriptase; minus strand). Cytogenetic location: 5p15.33.
Variant type: single nucleotide variant.
Coding change: c.1691C>G on transcript NM_198253.3 (MANE Select); coding-DNA position 1691, C replaced by G.
Protein change: p.Thr564Arg; replaces threonine 564 with arginine.
Molecular consequence: missense variant. On other transcripts: non-coding transcript variant (2).
Genome position (GRCh38, 1-based): chr5:1,282,507, G>C on the plus strand (C>G on the coding strand, the complement: TERT is on the minus strand). VCF-style: chr5-1282507-G-C. GRCh37 (hg19) VCF-style: chr5-1282622-G-C.
Other names: c.1691C>G, p.Thr564Arg (NM_001193376.3); short protein forms T564R.
Identifiers: ClinVar variation 4843992 (VCV004843992.1).